The following is an entry in ClinVar:

NM_020911.2(PLXNA4):c.2136G>A (p.Val712=)

Gene: PLXNA4 (plexin A4; minus strand). Cytogenetic location: 7q32.3.
Variant type: single nucleotide variant.
Coding change: c.2136G>A on transcript NM_020911.2 (MANE Select); coding-DNA position 2136, G replaced by A.
Protein change: p.Val712=; no amino-acid change (valine 712 retained).
Molecular consequence: synonymous variant.
Genome position (GRCh38, 1-based): chr7:132,211,105, C>T on the plus strand (G>A on the coding strand, the complement: PLXNA4 is on the minus strand). VCF-style: chr7-132211105-C-T. GRCh37 (hg19) VCF-style: chr7-131895864-C-T.
Other names: c.2136G>A, p.Val712= (NM_001393897.1).
Identifiers: ClinVar variation 3054264 (VCV003054264.2), dbSNP rs1292428299, ClinGen allele CA457678970.

ClinVar aggregate classification (germline): Likely benign (0 of 4 stars; one submission).

Conditions:
PLXNA4-related disorder. Also called: PLXNA4-related condition.

Allele frequency attached by ClinVar (database versions not stated): gnomAD 0.00001; gnomAD exomes 0.00002.
gnomAD v4.1: 11 of 1,578,222 alleles (0.0007%); highest among the groups gnomAD compares: South Asian, 0.0035%; no homozygotes.

Submission:

PreventionGenetics, part of Exact Sciences
Classification: Likely benign for PLXNA4-related condition. Last evaluated: 2021-11-03. Review status: no assertion criteria provided. Collection method: clinical testing. Allele origin: germline.
Comment: This variant is classified as likely benign based on ACMG/AMP sequence variant interpretation guidelines (Richards et al. 2015 PMID: 25741868, with internal and published modifications).